The following is an entry in ClinVar:

ClinVar aggregate classification (germline): Uncertain significance (1 of 4 stars; one submission).

Conditions:
Neuropathy, hereditary sensory and autonomic, type 2A (HSAN2A). Also called: ACROOSTEOLYSIS, GIACCAI TYPE; ACROOSTEOLYSIS, NEUROGENIC; MORVAN DISEASE; NEUROPATHY, CONGENITAL SENSORY; NEUROPATHY, HEREDITARY SENSORY RADICULAR, AUTOSOMAL RECESSIVE; NEUROPATHY, HEREDITARY SENSORY, TYPE IIA. Identifiers: Orphanet 970, MedGen C2752089, MONDO:0024309, OMIM 201300.
Pseudohypoaldosteronism type 2C (PHA2C). Also called: Pseudohypoaldosteronism Type IIC. Identifiers: Orphanet 757, Orphanet 88940, MedGen C1840391, MONDO:0013778, OMIM 614492.

Submission:

Labcorp Genetics (formerly Invitae), Labcorp
Classification: Uncertain significance for Neuropathy, hereditary sensory and autonomic, type 2A; Pseudohypoaldosteronism type 2C. Last evaluated: 2025-08-27. Review status: criteria provided, single submitter. Criteria: Invitae Variant Classification Sherloc (09022015). Collection method: clinical testing. Allele origin: germline.
Comment: This sequence change replaces arginine, which is basic and polar, with leucine, which is neutral and non-polar, at codon 825 of the WNK1 protein (p.Arg825Leu). This variant is not present in population databases (gnomAD no frequency). This variant has not been reported in the literature in individuals affected with WNK1-related conditions. Invitae Evidence Modeling of protein sequence and biophysical properties (such as structural, functional, and spatial information, amino acid conservation, physicochemical variation, residue mobility, and thermodynamic stability) indicates that this missense variant is not expected to disrupt WNK1 protein function with a negative predictive value of 95%. In summary, the available evidence is currently insufficient to determine the role of this variant in disease. Therefore, it has been classified as a Variant of Uncertain Significance.

NM_213655.5(WNK1):c.2474G>T (p.Arg825Leu)

Gene: WNK1 (WNK lysine deficient protein kinase 1; plus strand). Cytogenetic location: 12p13.33.
Variant type: single nucleotide variant.
Coding change: c.2474G>T on transcript NM_213655.5 (MANE Plus Clinical); coding-DNA position 2474, G replaced by T.
Protein change: p.Arg825Leu; replaces arginine 825 with leucine.
Molecular consequence: missense variant. On other transcripts: intron variant (2).
Genome position (GRCh38, 1-based): chr12:867,945, G>T. VCF-style: chr12-867945-G-T. GRCh37 (hg19) VCF-style: chr12-977111-G-T.
Other names: c.2219G>T, p.Arg740Leu (NM_001184985.2); c.2140-3320G>T (NM_018979.4, NM_014823.3); short protein forms R825L, R740L.
Identifiers: ClinVar variation 4792584 (VCV004792584.1).
Genomic context (GRCh38, chr12:867,945, plus strand): 5'-CGTGTGGGGGGACCCCAACATACCCAGAATCACAGATATTTTTCCCAACTATTCATGAAC[G>T]TCCAGTTTCTTTTTCACCACCTCCCACCTGCCCACCGAAAGTAGCCATTTCCCAGCGGCG-3'
Protein context (NP_998820.3, residues 815-835): SQIFFPTIHE[Arg825Leu]PVSFSPPPTC